The following is an entry in ClinVar:

NM_000492.4(CFTR):c.3718-24G>A

Genes: CFTR (CF transmembrane conductance regulator; plus strand), CFTR-AS2 (CFTR antisense RNA 2; minus strand). Cytogenetic location: 7q31.2.
Variant type: single nucleotide variant.
Coding change: c.3718-24G>A on transcript NM_000492.4 (MANE Select); 24 bases into the intron before coding-DNA position 3718, G replaced by A.
Molecular consequence: intron variant.
Genome position (GRCh38, 1-based): chr7:117,642,414, G>A. VCF-style: chr7-117642414-G-A. GRCh37 (hg19) VCF-style: chr7-117282468-G-A.
Identifiers: ClinVar variation 499621 (VCV000499621.91), dbSNP rs374013084, ClinGen allele CA4451535.

ClinVar aggregate classification (germline): Conflicting classifications of pathogenicity. Review status: criteria provided, conflicting classifications (1 of 4 stars). 7 submissions from 7 submitters: Uncertain significance (2); Benign (1); Likely benign (3). 1 of the submissions does not count toward it. Last evaluated 2025-04-23.

Conditions:
CFTR-related disorder (CFTR-RD). Also called: CFTR-related disorders; CFTR-related condition. Identifiers: MedGen C5924204, MONDO:7770004.
Cystic fibrosis (CF). Also called: MUCOVISCIDOSIS. Identifiers: Orphanet 586, MedGen C0010674, MONDO:0009061, OMIM 219700. Disease mechanism: loss of function.

Allele frequency attached by ClinVar (database versions not stated): ESP Exome Variant Server 0.00008; gnomAD 0.00009 and 0.00025; TOPMed 0.00011; gnomAD exomes 0.00048 and 0.00095; ExAC 0.00096; 1000 Genomes Project 30x 0.00109; 1000 Genomes Project 0.00120.
gnomAD v4.1: 754 of 1,607,344 alleles (0.047%); highest among the groups gnomAD compares: South Asian, 0.68%; 6 homozygotes.

Submissions (7):

ARUP Laboratories, Molecular Genetics and Genomics, ARUP Laboratories
Classification: Likely benign. Last evaluated: 2025-04-23. Review status: criteria provided, single submitter. Criteria: ARUP Molecular Germline Variant Investigation Process 2024. Collection method: clinical testing. Allele origin: germline.

Labcorp Genetics (formerly Invitae), Labcorp
Classification: Benign for Cystic fibrosis. Last evaluated: 2023-11-10. Review status: criteria provided, single submitter. Criteria: Invitae Variant Classification Sherloc (09022015). Collection method: clinical testing. Allele origin: germline.

CeGaT Center for Human Genetics Tuebingen
Classification: Likely benign. Last evaluated: 2023-09-01. Review status: criteria provided, single submitter. Criteria: CeGaT Center For Human Genetics Tuebingen Variant Classification Criteria Version 2. Collection method: clinical testing. Allele origin: germline. Affected: yes. Observed: 3 variant alleles.
Comment: CFTR: BP4, BS1

GeneDx
Classification: Likely benign. Last evaluated: 2021-06-14. Review status: criteria provided, single submitter. Criteria: GeneDx Variant Classification Process June 2021. Collection method: clinical testing. Allele origin: germline. Affected: yes.
Comment: See Variant Classification Assertion Criteria.

Quest Diagnostics Nichols Institute San Juan Capistrano
Classification: Uncertain significance. Last evaluated: 2019-08-14. Review status: criteria provided, single submitter. Criteria: Quest Diagnostics criteria. Collection method: clinical testing. Allele origin: germline.

Eurofins Ntd Llc (ga)
Classification: Uncertain significance. Last evaluated: 2017-01-03. Review status: criteria provided, single submitter. Criteria: EGL Classification Definitions 2015. Collection method: clinical testing. Allele origin: germline. Observed: 1 variant allele, 1 heterozygote.

PreventionGenetics, part of Exact Sciences
Classification: Likely benign for CFTR-related condition. Last evaluated: 2020-11-19. Review status: no assertion criteria provided. Collection method: clinical testing. Allele origin: germline. Not counted in ClinVar's aggregate classification.
Comment: This variant is classified as likely benign based on ACMG/AMP sequence variant interpretation guidelines (Richards et al. 2015 PMID: 25741868, with internal and published modifications).

Literature cited by the submitters: PubMed 17662673 (cited by Quest Diagnostics Nichols Institute San Juan Capistrano); PubMed 23810505 (cited by Quest Diagnostics Nichols Institute San Juan Capistrano); PubMed 28040058 (cited by Quest Diagnostics Nichols Institute San Juan Capistrano).